The following is an entry in ClinVar:

NM_001349206.2(LPIN1):c.2224G>A (p.Ala742Thr)

Gene: LPIN1 (lipin 1; plus strand). Cytogenetic location: 2p25.1.
Variant type: single nucleotide variant.
Coding change: c.2224G>A on transcript NM_001349206.2 (MANE Select); coding-DNA position 2224, G replaced by A.
Protein change: p.Ala742Thr; replaces alanine 742 with threonine.
Molecular consequence: missense variant. On other transcripts: non-coding transcript variant (1).
Genome position (GRCh38, 1-based): chr2:11,805,131, G>A. VCF-style: chr2-11805131-G-A. GRCh37 (hg19) VCF-style: chr2-11945257-G-A.
Other names: c.2134G>A, p.Ala712Thr (NM_001261427.3); c.2371G>A, p.Ala791Thr (NM_001261428.3); c.2116G>A, p.Ala706Thr (NM_001349199.2, NM_145693.4); c.2194G>A, p.Ala732Thr (NM_001349200.2, NM_001349201.2); c.2221G>A, p.Ala741Thr (NM_001349202.2, NM_001349203.2); c.2224G>A, p.Ala742Thr (NM_001349204.2, NM_001349205.2); c.2314G>A, p.Ala772Thr (NM_001349207.2); c.2263G>A, p.Ala755Thr (NM_001349208.2); short protein forms A706T, A741T, A742T, A755T, A791T, A772T, A712T, A732T.
Identifiers: ClinVar variation 2056041 (VCV002056041.2), dbSNP rs147550491, ClinGen allele CA1534033.

ClinVar aggregate classification (germline): Uncertain significance. Review status: criteria provided, multiple submitters, no conflicts (2 of 4 stars). 2 submissions from 2 submitters: Uncertain significance (2). Last evaluated 2024-04-09.

Conditions:
Myoglobinuria, acute recurrent, autosomal recessive. Also called: MYOGLOBINURIA, FAMILIAL PAROXYSMAL PARALYTIC; Myoglobinuria, recurrent, autosomal recessive; RHABDOMYOLYSIS, ACUTE RECURRENT. Identifiers: Orphanet 99845, MedGen C1849386, MONDO:0009992, OMIM 268200.

Allele frequency attached by ClinVar (database versions not stated): gnomAD exomes 0.00001; ExAC 0.00002; TOPMed 0.00002; gnomAD 0.00003; ESP Exome Variant Server 0.00008.
gnomAD v4.1: 16 of 1,613,808 alleles (0.00099%); highest among the groups gnomAD compares: African/African-American, 0.0067%; no homozygotes.

Submissions (2):

Fulgent Genetics
Classification: Uncertain significance for Myoglobinuria, acute recurrent, autosomal recessive. Last evaluated: 2024-04-09. Review status: criteria provided, single submitter. Criteria: ACMG Guidelines, 2015. Collection method: clinical testing. Allele origin: germline.

Labcorp Genetics (formerly Invitae), Labcorp
Classification: Uncertain significance. Last evaluated: 2022-05-08. Review status: criteria provided, single submitter. Criteria: Invitae Variant Classification Sherloc (09022015). Collection method: clinical testing. Allele origin: germline.
Comment: This sequence change replaces alanine, which is neutral and non-polar, with threonine, which is neutral and polar, at codon 706 of the LPIN1 protein (p.Ala706Thr). This variant is present in population databases (rs147550491, gnomAD 0.008%). This variant has not been reported in the literature in individuals affected with LPIN1-related conditions. Algorithms developed to predict the effect of missense changes on protein structure and function (SIFT, PolyPhen-2, Align-GVGD) all suggest that this variant is likely to be disruptive. In summary, the available evidence is currently insufficient to determine the role of this variant in disease. Therefore, it has been classified as a Variant of Uncertain Significance.